The following is an entry in ClinVar:

ClinVar aggregate classification (germline): Conflicting classifications of pathogenicity. Review status: criteria provided, conflicting classifications (1 of 4 stars). 10 submissions from 9 submitters: Uncertain significance (3); Benign (1); Likely benign (5). 1 of the submissions does not count toward it. Last evaluated 2026-02-03.

Conditions:
FKTN-related disorder. Also called: FKTN-related disorders; FKTN-related condition.
Walker-Warburg congenital muscular dystrophy. Also called: Muscular dystrophy-dystroglycanopathy, type A; Walker-Warburg syndrome. Identifiers: Orphanet 899, MedGen C0265221, MONDO:0000171.
Cardiovascular phenotype. Identifiers: MedGen CN230736.
Muscular dystrophy-dystroglycanopathy (congenital with brain and eye anomalies), type A, 4 (MDDGA4). Also called: Walker-Warburg Syndrome, Fktn-Related; Muscular dystrophy, congenital progressive, with mental retardation; Muscular dystrophy, congenital, with central nervous system involvement; Cerebromuscular dystrophy, Fukuyama type; Fukuyama congenital muscular dystrophy; Congenital muscular dystrophy-dystroglycanopathy with brain and eye anomalies, type A4. Identifiers: Orphanet 272, Orphanet 588, Orphanet 899, MedGen C0410174, MONDO:0009678, OMIM 253800.
Dilated cardiomyopathy 1X (CMD1X). Also called: CARDIOMYOPATHY, DILATED, WITH MILD OR NO PROXIMAL MUSCLE WEAKNESS; FKTN-Related Dilated Cardiomyopathy. Identifiers: Orphanet 154, MedGen C1969024, MONDO:0012704, OMIM 611615.

Allele frequency attached by ClinVar (database versions not stated): gnomAD exomes 0.00010 and 0.00023; ExAC 0.00021; 1000 Genomes Project 30x 0.00031; 1000 Genomes Project 0.00040; gnomAD 0.00074 and 0.00084; ESP Exome Variant Server 0.00077; TOPMed 0.00099.
gnomAD v4.1: 271 of 1,612,740 alleles (0.017%); highest among the groups gnomAD compares: African/African-American, 0.32%; no homozygotes.

Submissions (10):

Labcorp Genetics (formerly Invitae), Labcorp
Classification: Likely benign for Walker-Warburg congenital muscular dystrophy. Last evaluated: 2026-02-03. Review status: criteria provided, single submitter. Criteria: Invitae Variant Classification Sherloc (09022015). Collection method: clinical testing. Allele origin: germline.

CeGaT Center for Human Genetics Tuebingen
Classification: Likely benign. Last evaluated: 2026-01-01. Review status: criteria provided, single submitter. Criteria: CeGaT Center For Human Genetics Tuebingen Variant Classification Criteria Version 2. Collection method: clinical testing. Allele origin: germline. Affected: yes. Observed: 2 variant alleles.
Comment: FKTN: BP4, BP7

Blueprint Genetics
Classification: Likely benign. Last evaluated: 2024-04-11. Review status: criteria provided, single submitter. Criteria: ACMG Guidelines, 2015. Collection method: clinical testing. Allele origin: germline.

Women's Health and Genetics/Laboratory Corporation of America, LabCorp
Classification: Likely benign. Last evaluated: 2020-11-09. Review status: criteria provided, single submitter. Criteria: LabCorp Variant Classification Summary - May 2015. Collection method: clinical testing. Allele origin: germline.

Illumina Laboratory Services, Illumina
Classification: Uncertain significance for Dilated cardiomyopathy 1X. Last evaluated: 2018-01-13. Review status: criteria provided, single submitter. Criteria: ICSL Variant Classification Criteria 13 December 2019. Collection method: clinical testing. Allele origin: germline.

Illumina Laboratory Services, Illumina
Classification: Uncertain significance for Muscular dystrophy-dystroglycanopathy (congenital with brain and eye anomalies), type A, 4. Last evaluated: 2018-01-13. Review status: criteria provided, single submitter. Criteria: ICSL Variant Classification Criteria 13 December 2019. Collection method: clinical testing. Allele origin: germline.

Eurofins Ntd Llc (ga)
Classification: Uncertain significance. Last evaluated: 2017-11-21. Review status: criteria provided, single submitter. Criteria: EGL Classification Definitions 2015. Collection method: clinical testing. Allele origin: germline. Observed: 9 variant alleles, 9 heterozygotes.

Ambry Genetics
Classification: Likely benign for Cardiovascular phenotype. Last evaluated: 2015-10-23. Review status: criteria provided, single submitter. Criteria: Ambry Variant Classification Scheme 2023. Collection method: clinical testing. Allele origin: germline.

GeneDx
Classification: Benign. Last evaluated: 2015-09-22. Review status: criteria provided, single submitter. Criteria: GeneDx Variant Classification (06012015). Collection method: clinical testing. Allele origin: germline. Affected: yes.
Comment: This variant is considered likely benign or benign based on one or more of the following criteria: it is a conservative change, it occurs at a poorly conserved position in the protein, it is predicted to be benign by multiple in silico algorithms, and/or has population frequency not consistent with disease.

PreventionGenetics, part of Exact Sciences
Classification: Likely benign for FKTN-related condition. Last evaluated: 2019-07-18. Review status: no assertion criteria provided. Collection method: clinical testing. Allele origin: germline. Not counted in ClinVar's aggregate classification.
Comment: This variant is classified as likely benign based on ACMG/AMP sequence variant interpretation guidelines (Richards et al. 2015 PMID: 25741868, with internal and published modifications).

NM_001079802.2(FKTN):c.681G>A (p.Leu227=)

Gene: FKTN (fukutin; plus strand). Cytogenetic location: 9q31.2.
Variant type: single nucleotide variant.
Coding change: c.681G>A on transcript NM_001079802.2 (MANE Select); coding-DNA position 681, G replaced by A.
Protein change: p.Leu227=; no amino-acid change (leucine 227 retained).
Molecular consequence: synonymous variant. On other transcripts: non-coding transcript variant (2).
Genome position (GRCh38, 1-based): chr9:105,607,852, G>A. VCF-style: chr9-105607852-G-A. GRCh37 (hg19) VCF-style: chr9-108370133-G-A.
Other names: c.681G>A, p.Leu227= (NM_001198963.2, NM_001351496.2, NM_001351498.2 and 1 more transcripts); c.612G>A, p.Leu204= (NM_001351497.2); c.285G>A, p.Leu95= (NM_001351499.2, NM_001351500.2, NM_001351501.2 and 1 more transcripts).
Identifiers: ClinVar variation 264299 (VCV000264299.36), dbSNP rs142604625, ClinGen allele CA5170469.